The following is an entry in ClinVar:

ClinVar aggregate classification (germline): Pathogenic/Likely pathogenic. Review status: criteria provided, multiple submitters, no conflicts (2 of 4 stars). 5 submissions from 5 submitters: Pathogenic (4); Likely pathogenic (1). Last evaluated 2025-07-07.

Conditions:
Familial cancer of breast. Also called: hereditary breast carcinoma; Hereditary breast cancer; BREAST CANCER, FAMILIAL. Identifiers: Orphanet 227535, MedGen C0346153, MONDO:0016419, OMIM 114480. Disease mechanism: loss of function.
Hereditary cancer-predisposing syndrome. Also called: Hereditary neoplastic syndrome; Hereditary Cancer Syndrome; Tumor predisposition; Neoplastic Syndromes, Hereditary. Identifiers: Orphanet 140162, MedGen C0027672, MeSH D009386, MONDO:0015356.

Submissions (5):

Ambry Genetics
Classification: Pathogenic for Hereditary cancer-predisposing syndrome. Last evaluated: 2025-07-07. Review status: criteria provided, single submitter. Criteria: Ambry Variant Classification Scheme 2023. Collection method: clinical testing. Allele origin: germline.
Comment: The c.2298dupA pathogenic mutation, located in coding exon 5 of the PALB2 gene, results from a duplication of A at nucleotide position 2298, causing a translational frameshift with a predicted alternate stop codon (p.V767Sfs*6). This variant is considered to be rare based on population cohorts in the Genome Aggregation Database (gnomAD). This alteration is expected to result in loss of function by premature protein truncation or nonsense-mediated mRNA decay. As such, this alteration is interpreted as a disease-causing mutation.

Myriad Genetics, Inc.
Classification: Pathogenic for Familial cancer of breast. Last evaluated: 2023-09-12. Review status: criteria provided, single submitter. Criteria: Myriad Autosomal Dominant, Autosomal Recessive and X-Linked Classification Criteria (2023). Collection method: clinical testing. Allele origin: unknown.
Comment: This variant is considered pathogenic. This variant creates a frameshift predicted to result in premature protein truncation.

Baylor Genetics
Classification: Likely pathogenic for Familial cancer of breast. Last evaluated: 2022-02-22. Review status: criteria provided, single submitter. Criteria: ACMG Guidelines, 2015. Collection method: clinical testing. Allele origin: unknown.

Labcorp Genetics (formerly Invitae), Labcorp
Classification: Pathogenic for Familial cancer of breast. Last evaluated: 2019-09-30. Review status: criteria provided, single submitter. Criteria: Invitae Variant Classification Sherloc (09022015). Collection method: clinical testing. Allele origin: germline.
Comment: This sequence change creates a premature translational stop signal (p.Val767Serfs*6) in the PALB2 gene. It is expected to result in an absent or disrupted protein product. This variant is not present in population databases (ExAC no frequency). This variant has not been reported in the literature in individuals with PALB2-related conditions. ClinVar contains an entry for this variant (Variation ID: 439232). Loss-of-function variants in PALB2 are known to be pathogenic (PMID: 17200668, 24136930, 25099575). For these reasons, this variant has been classified as Pathogenic.

Quest Diagnostics Nichols Institute San Juan Capistrano
Classification: Pathogenic. Last evaluated: 2017-06-28. Review status: criteria provided, single submitter. Criteria: Quest Diagnostics criteria. Collection method: clinical testing. Allele origin: germline.

Literature cited by the submitters: PubMed 17200668 (cited by Labcorp Genetics (formerly Invitae), Labcorp); PubMed 24136930 (cited by Labcorp Genetics (formerly Invitae), Labcorp); PubMed 25099575 (cited by Labcorp Genetics (formerly Invitae), Labcorp).

NM_024675.4(PALB2):c.2298dup (p.Val767fs)

Gene: PALB2 (partner and localizer of BRCA2; minus strand). Cytogenetic location: 16p12.2.
Variant type: Duplication.
Coding change: c.2298dup on transcript NM_024675.4 (MANE Select); coding-DNA position 2298, one base duplicated (A; older notation c.2298dupA).
Protein change: p.Val767fs; shifts the reading frame from valine 767.
Molecular consequence: frameshift variant.
Genome position (GRCh38, 1-based): chr16:23,629,856, T duplicated on the plus strand (A on the coding strand, the reverse complement: PALB2 is on the minus strand). VCF-style (leftmost placement, unchanged base first): chr16-23629855-C-CT. GRCh37 (hg19) VCF-style: chr16-23641176-C-CT.
Other names: c.2298dupA (NM_024675.3); short protein forms V767fs.
Identifiers: ClinVar variation 439232 (VCV000439232.13), dbSNP rs1555460407, ClinGen allele CA645509222.